The following is an entry in ClinVar:

ClinVar aggregate classification (germline): Uncertain significance (1 of 4 stars; one submission).

Allele frequency attached by ClinVar (database versions not stated): gnomAD 0.00002 and 0.00003.
gnomAD v4.1: 89 of 1,201,096 alleles (0.0074%); highest among the groups gnomAD compares: Non-Finnish European, 0.0099%; no homozygotes.

Submission:

Labcorp Genetics (formerly Invitae), Labcorp
Classification: Uncertain significance. Last evaluated: 2022-06-27. Review status: criteria provided, single submitter. Criteria: Invitae Variant Classification Sherloc (09022015). Collection method: clinical testing. Allele origin: germline.
Comment: This sequence change replaces proline, which is neutral and non-polar, with threonine, which is neutral and polar, at codon 2411 of the PCLO protein (p.Pro2411Thr). The frequency data for this variant in the population databases is considered unreliable, as metrics indicate poor data quality at this position in the gnomAD database. This variant has not been reported in the literature in individuals affected with PCLO-related conditions. Algorithms developed to predict the effect of missense changes on protein structure and function are either unavailable or do not agree on the potential impact of this missense change (SIFT: "Deleterious"; PolyPhen-2: "Not Available"; Align-GVGD: "Class C0"). In summary, the available evidence is currently insufficient to determine the role of this variant in disease. Therefore, it has been classified as a Variant of Uncertain Significance.

NM_033026.6(PCLO):c.7231C>A (p.Pro2411Thr)

Gene: PCLO (piccolo presynaptic cytomatrix protein; minus strand). Cytogenetic location: 7q21.11.
Variant type: single nucleotide variant.
Coding change: c.7231C>A on transcript NM_033026.6 (MANE Select); coding-DNA position 7231, C replaced by A.
Protein change: p.Pro2411Thr; replaces proline 2411 with threonine.
Molecular consequence: missense variant.
Genome position (GRCh38, 1-based): chr7:82,953,722, G>T on the plus strand (C>A on the coding strand, the complement: PCLO is on the minus strand). VCF-style: chr7-82953722-G-T. GRCh37 (hg19) VCF-style: chr7-82583038-G-T.
Other names: c.7231C>A, p.Pro2411Thr (NM_014510.3); short protein forms P2411T.
Identifiers: ClinVar variation 1419437 (VCV001419437.3), dbSNP rs1238126985, ClinGen allele CA367917419.